The following is an entry in ClinVar:

NM_003280.3(TNNC1):c.451G>T (p.Asp151Tyr)

Gene: TNNC1 (troponin C1, slow skeletal and cardiac type; minus strand). Cytogenetic location: 3p21.1.
Variant type: single nucleotide variant.
Coding change: c.451G>T on transcript NM_003280.3 (MANE Select); coding-DNA position 451, G replaced by T.
Protein change: p.Asp151Tyr; replaces aspartic acid 151 with tyrosine.
Molecular consequence: missense variant.
Genome position (GRCh38, 1-based): chr3:52,451,394, C>A on the plus strand (G>T on the coding strand, the complement: TNNC1 is on the minus strand). VCF-style: chr3-52451394-C-A. GRCh37 (hg19) VCF-style: chr3-52485410-C-A.
Other names: short protein forms D151Y.
Identifiers: ClinVar variation 4788592 (VCV004788592.1).

ClinVar aggregate classification (germline): Uncertain significance (1 of 4 stars; one submission).

Conditions:
Hypertrophic cardiomyopathy 13. Also called: TNNC1-Related Familial Hypertrophic Cardiomyopathy. Identifiers: MedGen C2750472, MONDO:0013195, OMIM 613243.
Dilated cardiomyopathy 1Z (CMD1Z). Identifiers: Orphanet 154, MedGen C2678475, MONDO:0012745, OMIM 611879.

Submission:

Labcorp Genetics (formerly Invitae), Labcorp
Classification: Uncertain significance for Hypertrophic cardiomyopathy 13; Dilated cardiomyopathy 1Z. Last evaluated: 2025-10-07. Review status: criteria provided, single submitter. Criteria: Invitae Variant Classification Sherloc (09022015). Collection method: clinical testing. Allele origin: germline.
Comment: This sequence change replaces aspartic acid, which is acidic and polar, with tyrosine, which is neutral and polar, at codon 151 of the TNNC1 protein (p.Asp151Tyr). This variant is not present in population databases (gnomAD no frequency). This variant has not been reported in the literature in individuals affected with TNNC1-related conditions. An algorithm developed to predict the effect of missense changes on protein structure and function (PolyPhen-2) suggests that this variant is likely to be disruptive. In summary, the available evidence is currently insufficient to determine the role of this variant in disease. Therefore, it has been classified as a Variant of Uncertain Significance.